The following is an entry in ClinVar:

ClinVar aggregate classification (germline): Pathogenic (1 of 4 stars; one submission).

Submission:

Quest Diagnostics Nichols Institute San Juan Capistrano
Classification: Pathogenic. Last evaluated: 2024-02-23. Review status: criteria provided, single submitter. Criteria: ACMG/ClinGen CNV Guidelines, 2019. Collection method: clinical testing. Allele origin: unknown.
Comment: This duplication includes the 'Down syndrome critical region' at 21q22.13 (Pelleri 2019, Pelleri 2022). Thus, this copy number variant is classified as pathogenic. References: Pelleri et al., BMC Med Genomics. 2022 Dec 21;15(1):266. PMID: 36544206; Pelleri et al., Mol Genet Genomic Med. 2019 Aug;7(8):e797 PMID: 31237416;

GRCh37/hg19 21q22.11-22.3(chr21:34586759-48097372)x3

Genes: ABCG1 (ATP binding cassette subfamily G member 1; plus strand), ADARB1 (adenosine deaminase RNA specific B1; plus strand), AGPAT3 (1-acylglycerol-3-phosphate O-acyltransferase 3; plus strand), AIRE (autoimmune regulator; plus strand), ATP5PO (ATP synthase peripheral stalk subunit OSCP; minus strand) and 131 more. Cytogenetic location: 21q22.11-22.3.
Variant type: copy number gain.
Change: copy number 3 (three copies instead of two) of chr21:34,586,759-48,097,372 (13.51 Mb, GRCh37 coordinates, 1-based), cytogenetic band 21q22.11-22.3.
Identifiers: ClinVar variation 3391864 (VCV003391864.1).